The following is an entry in ClinVar:

NM_016932.5(SIX2):c.571G>A (p.Glu191Lys)

Gene: SIX2 (SIX homeobox 2; minus strand). Cytogenetic location: 2p21.
Variant type: single nucleotide variant.
Coding change: c.571G>A on transcript NM_016932.5 (MANE Select); coding-DNA position 571, G replaced by A.
Protein change: p.Glu191Lys; replaces glutamic acid 191 with lysine.
Molecular consequence: missense variant.
Genome position (GRCh38, 1-based): chr2:45,006,475, C>T on the plus strand (G>A on the coding strand, the complement: SIX2 is on the minus strand). VCF-style: chr2-45006475-C-T. GRCh37 (hg19) VCF-style: chr2-45233614-C-T.
Other names: short protein forms E191K.
Identifiers: ClinVar variation 3651540 (VCV003651540.2).

ClinVar aggregate classification (germline): Uncertain significance (1 of 4 stars; one submission).

Submission:

Labcorp Genetics (formerly Invitae), Labcorp
Classification: Uncertain significance. Last evaluated: 2024-09-06. Review status: criteria provided, single submitter. Criteria: Invitae Variant Classification Sherloc (09022015). Collection method: clinical testing. Allele origin: germline.
Comment: This sequence change replaces glutamic acid, which is acidic and polar, with lysine, which is basic and polar, at codon 191 of the SIX2 protein (p.Glu191Lys). This variant is present in population databases (no rsID available, gnomAD 0.002%). This variant has not been reported in the literature in individuals affected with SIX2-related conditions. Invitae Evidence Modeling of protein sequence and biophysical properties (such as structural, functional, and spatial information, amino acid conservation, physicochemical variation, residue mobility, and thermodynamic stability) indicates that this missense variant is not expected to disrupt SIX2 protein function with a negative predictive value of 80%. In summary, the available evidence is currently insufficient to determine the role of this variant in disease. Therefore, it has been classified as a Variant of Uncertain Significance.